The following is an entry in ClinVar:

ClinVar aggregate classification (germline): Uncertain significance. Review status: criteria provided, multiple submitters, no conflicts (2 of 4 stars). 6 submissions from 6 submitters: Uncertain significance (6). Last evaluated 2025-07-21.

Conditions:
GATA2-related disorder. Also called: GATA2-Related Disorders; GATA2-related condition.
Inborn genetic diseases. Identifiers: MedGen C0950123, MeSH D030342.
Acute myeloid leukemia (AML). Also called: Leukemia, acute myeloid, somatic; Leukemia, acute myelogenous, somatic; Acute myeloid leukemia, adult; AML adult; Acute non-lymphocytic leukemia; Acute granulocytic leukemia. Identifiers: Orphanet 519, MedGen C0023467, MeSH D015470, MONDO:0018874, OMIM 601626, HP:0004808. Disease mechanism: Constitutively activated FLT3.
Deafness-lymphedema-leukemia syndrome. Also called: Emberger syndrome; Lymphedema, primary, with myelodysplasia. Identifiers: Orphanet 3226, MedGen C3279664, MONDO:0013540, OMIM 614038.
Monocytopenia with susceptibility to infections. Also called: IMMUNODEFICIENCY 21; MONOCYTOPENIA AND MYCOBACTERIAL INFECTION SYNDROME; MONOCYTOPENIA WITH SUSCEPTIBILITY TO MYCOBACTERIAL, FUNGAL, AND PAPILLOMAVIRUS INFECTIONS AND MYELODYSPLASIA; COMBINED IMMUNODEFICIENCY WITH SUSCEPTIBILITY TO MYCOBACTERIAL, VIRAL, AND FUNGAL INFECTIONS; Dendritic cell, monocyte, B lymphocyte, and natural killer lymphocyte deficiency; GATA2 DEFICIENCY. Identifiers: Orphanet 228423, MedGen C3280030, MONDO:0013607, OMIM 614172.

Allele frequency attached by ClinVar (database versions not stated): gnomAD exomes 0.00002; ExAC 0.00004; ESP Exome Variant Server 0.00015.
gnomAD v4.1: 29 of 1,611,188 alleles (0.0018%); highest among the groups gnomAD compares: South Asian, 0.0077%; no homozygotes.

Submissions (6):

Labcorp Genetics (formerly Invitae), Labcorp
Classification: Uncertain significance for Monocytopenia with susceptibility to infections; Deafness-lymphedema-leukemia syndrome. Last evaluated: 2025-07-21. Review status: criteria provided, single submitter. Criteria: Invitae Variant Classification Sherloc (09022015). Collection method: clinical testing. Allele origin: germline.
Comment: This sequence change replaces threonine, which is neutral and polar, with methionine, which is neutral and non-polar, at codon 457 of the GATA2 protein (p.Thr457Met). This variant is present in population databases (rs139415862, gnomAD 0.007%). This missense change has been observed in individual(s) with pancreatic cancer (PMID: 31958074). ClinVar contains an entry for this variant (Variation ID: 570747). Invitae Evidence Modeling of protein sequence and biophysical properties (such as structural, functional, and spatial information, amino acid conservation, physicochemical variation, residue mobility, and thermodynamic stability) indicates that this missense variant is expected to disrupt GATA2 protein function with a positive predictive value of 95%. In summary, the available evidence is currently insufficient to determine the role of this variant in disease. Therefore, it has been classified as a Variant of Uncertain Significance.

Revvity Omics, Revvity
Classification: Uncertain significance. Last evaluated: 2024-12-31. Review status: criteria provided, single submitter. Criteria: ACMG Guidelines, 2015. Collection method: clinical testing. Allele origin: germline.

Ambry Genetics
Classification: Uncertain significance for Inborn genetic diseases. Last evaluated: 2024-10-17. Review status: criteria provided, single submitter. Criteria: Ambry Variant Classification Scheme 2023. Collection method: clinical testing. Allele origin: germline.
Comment: The p.T457M variant (also known as c.1370C>T), located in coding exon 5 of the GATA2 gene, results from a C to T substitution at nucleotide position 1370. The threonine at codon 457 is replaced by methionine, an amino acid with similar properties. This amino acid position is highly conserved in available vertebrate species. In addition, this alteration is predicted to be deleterious by in silico analysis. Based on the available evidence, the clinical significance of this variant remains unclear.

Baylor Genetics
Classification: Uncertain significance for Acute myeloid leukemia. Last evaluated: 2024-02-27. Review status: criteria provided, single submitter. Criteria: ACMG Guidelines, 2015. Collection method: clinical testing. Allele origin: unknown.

PreventionGenetics, part of Exact Sciences
Classification: Uncertain significance for GATA2-related condition. Last evaluated: 2023-02-21. Review status: criteria provided, single submitter. Criteria: ACMG Guidelines, 2015. Collection method: clinical testing. Allele origin: germline.
Comment: The GATA2 c.1370C>T variant is predicted to result in the amino acid substitution p.Thr457Met. This variant was reported along with other variants in an individual with pancreatic cancer (Supplement, Ma et al. 2020. PubMed ID: 31958074). I has also been reported in a GAT2 variant study in the context of myeloid leukemia (Table S5, referred to as rs139415862, Celton et al. 2014. PubMed ID: 24514424). This variant is reported in 0.0066% of alleles in individuals of South Asian descent in gnomAD. At this time, the clinical significance of this variant is uncertain due to the absence of conclusive functional and genetic evidence.

GeneDx
Classification: Uncertain significance. Last evaluated: 2022-01-10. Review status: criteria provided, single submitter. Criteria: GeneDx Variant Classification Process June 2021. Collection method: clinical testing. Allele origin: germline. Affected: yes.
Comment: In silico analysis supports that this missense variant does not alter protein structure/function; Has not been previously published as pathogenic or benign to our knowledge; This variant is associated with the following publications: (PMID: 31958074)

Literature cited by the submitters: PubMed 31958074 (cited by Labcorp Genetics (formerly Invitae), Labcorp).

NM_032638.5(GATA2):c.1370C>T (p.Thr457Met)

Gene: GATA2 (GATA binding protein 2; minus strand). Cytogenetic location: 3q21.3.
Variant type: single nucleotide variant.
Coding change: c.1370C>T on transcript NM_032638.5 (MANE Select); coding-DNA position 1370, C replaced by T.
Protein change: p.Thr457Met; replaces threonine 457 with methionine.
Molecular consequence: missense variant.
Genome position (GRCh38, 1-based): chr3:128,481,092, G>A on the plus strand (C>T on the coding strand, the complement: GATA2 is on the minus strand). VCF-style: chr3-128481092-G-A. GRCh37 (hg19) VCF-style: chr3-128199935-G-A.
Other names: c.1370C>T, p.Thr457Met (NM_001145661.2); c.1328C>T, p.Thr443Met (NM_001145662.1); c.1370C>T (NM_001145661.1); short protein forms T457M, T443M.
Identifiers: ClinVar variation 570747 (VCV000570747.14), dbSNP rs139415862, ClinGen allele CA2599787.